The following is an entry in ClinVar:

NM_001330311.2(DVL1):c.656A>C (p.His219Pro)

Gene: DVL1 (dishevelled segment polarity protein 1; minus strand). Cytogenetic location: 1p36.33.
Variant type: single nucleotide variant.
Coding change: c.656A>C on transcript NM_001330311.2 (MANE Select); coding-DNA position 656, A replaced by C.
Protein change: p.His219Pro; replaces histidine 219 with proline.
Molecular consequence: missense variant.
Genome position (GRCh38, 1-based): chr1:1,340,453, T>G on the plus strand (A>C on the coding strand, the complement: DVL1 is on the minus strand). VCF-style: chr1-1340453-T-G. GRCh37 (hg19) VCF-style: chr1-1275833-T-G.
Other names: c.656A>C, p.His219Pro (NM_004421.3); short protein forms H219P.
Identifiers: ClinVar variation 2786631 (VCV002786631.3), dbSNP rs773072891, ClinGen allele CA520553.

ClinVar aggregate classification (germline): Uncertain significance (1 of 4 stars; one submission).

Allele frequency attached by ClinVar (database versions not stated): gnomAD exomes below 0.00001; ExAC 0.00001; gnomAD 0.00001; TOPMed 0.00001.
gnomAD v4.1: 4 of 1,611,742 alleles (0.00025%); highest among the groups gnomAD compares: South Asian, 0.0022%; no homozygotes.

Submission:

Labcorp Genetics (formerly Invitae), Labcorp
Classification: Uncertain significance. Last evaluated: 2023-05-30. Review status: criteria provided, single submitter. Criteria: Invitae Variant Classification Sherloc (09022015). Collection method: clinical testing. Allele origin: germline.
Comment: This sequence change replaces histidine, which is basic and polar, with proline, which is neutral and non-polar, at codon 219 of the DVL1 protein (p.His219Pro). This variant is present in population databases (rs773072891, gnomAD 0.0009%). This variant has not been reported in the literature in individuals affected with DVL1-related conditions. Advanced modeling of protein sequence and biophysical properties (such as structural, functional, and spatial information, amino acid conservation, physicochemical variation, residue mobility, and thermodynamic stability) performed at Invitae indicates that this missense variant is not expected to disrupt DVL1 protein function. In summary, the available evidence is currently insufficient to determine the role of this variant in disease. Therefore, it has been classified as a Variant of Uncertain Significance.